The following is an entry in ClinVar:

ClinVar aggregate classification (germline): Conflicting classifications of pathogenicity. Review status: criteria provided, conflicting classifications (1 of 4 stars). 3 submissions from 3 submitters: Pathogenic (1); Likely pathogenic (1); Uncertain significance (1). Last evaluated 2026-05-27.

Conditions:
CYP21A2-related disorder. Also called: CYP21A2-related condition.
21-Hydroxylase-Deficient Congenital Adrenal Hyperplasia. Also called: ADRENAL HYPERPLASIA, CONGENITAL, DUE TO 21-HYDROXYLASE DEFICIENCY; ADRENAL HYPERPLASIA III. Identifiers: MedGen C2936858, OMIM 201910.

Allele frequency attached by ClinVar (database versions not stated): gnomAD 0.00001 and 0.00002; TOPMed 0.00002; gnomAD exomes 0.00007 and 0.00010; ESP Exome Variant Server 0.00008; ExAC 0.00024.
gnomAD v4.1: 100 of 1,606,900 alleles (0.0062%); highest among the groups gnomAD compares: South Asian, 0.088%; 1 homozygote.

Submissions (3):

PreventionGenetics, part of Exact Sciences
Classification: Pathogenic for CYP21A2-related condition. Last evaluated: 2026-05-27. Review status: criteria provided, single submitter. Criteria: ACMG Guidelines, 2015. Collection method: clinical testing. Allele origin: germline.
Comment: The CYP21A2 c.373C>T variant is predicted to result in the amino acid substitution p.Arg125Cys. This variant, also known as R124C in the literature, has been associated with simple-virilizing (SV) or non-classic (NC) congenital adrenal hyperplasia (CAH) (SV form in Krone et al. 2013. PubMed ID: 23337727; NC form in Nasir et al. 2018. PubMed ID: 30286573; NC form in Karlekar et al. 2024. PubMed ID: 39051316; summary in Baumgartner-Parzer et al. 2020. PubMed ID: 32616876). This variant is reported in 0.069% of alleles in individuals of South Asian descent in gnomAD. This variant falls within a highly paralogous region. Allele frequency data should be interpreted with caution. This variant is interpreted as pathogenic.

Newborn Screening Ontario, Children's Hospital of Eastern Ontario (CHEO)
Classification: Likely pathogenic for 21-Hydroxylase-Deficient Congenital Adrenal Hyperplasia. Last evaluated: 2024-09-27. Review status: criteria provided, single submitter. Criteria: ACMG Guidelines, 2015. Collection method: clinical testing. Allele origin: germline. Inheritance: Autosomal recessive inheritance.

Institute of Medical Genetics and Genomics, Sir Ganga Ram Hospital
Classification: Uncertain significance for 21-Hydroxylase-Deficient Congenital Adrenal Hyperplasia. Last evaluated: 2021-03-10. Review status: criteria provided, single submitter. Criteria: ACMG Guidelines, 2015. Collection method: clinical testing. Allele origin: germline. Affected: yes. Observed: 2 variant alleles.
Comment: Found in two Simple virilizing CAH patients; one had this variant with full gene deletion and other was found in trans with with c.515T>A variant of CYP21A2 gene

Literature cited by the submitters: PubMed 23359698 (cited by Institute of Medical Genetics and Genomics, Sir Ganga Ram Hospital); PubMed 33552137 (cited by Institute of Medical Genetics and Genomics, Sir Ganga Ram Hospital); PubMed 30611409 (cited by Institute of Medical Genetics and Genomics, Sir Ganga Ram Hospital); PubMed 29035424 (cited by Institute of Medical Genetics and Genomics, Sir Ganga Ram Hospital).

NM_000500.9(CYP21A2):c.373C>T (p.Arg125Cys)

Genes: CYP21A2 (cytochrome P450 family 21 subfamily A member 2; plus strand), LOC106780800 (CYP21A2 recombination region; plus strand). Cytogenetic location: 6p21.33.
Variant type: single nucleotide variant.
Coding change: c.373C>T on transcript NM_000500.9 (MANE Select); coding-DNA position 373, C replaced by T.
Protein change: p.Arg125Cys; replaces arginine 125 with cysteine.
Molecular consequence: missense variant. On other transcripts: 5 prime UTR variant (2).
Genome position (GRCh38, 1-based): chr6:32,039,174, C>T. VCF-style: chr6-32039174-C-T. GRCh37 (hg19) VCF-style: chr6-32006951-C-T.
Other names: p.Arg125Cys; c.283C>T, p.Arg95Cys (NM_001128590.4); c.-33C>T (NM_001368143.2, NM_001368144.2); c.373C>T (NM_000500.7); short protein forms R125C, R95C.
Identifiers: ClinVar variation 1675316 (VCV001675316.4), dbSNP rs371412889, ClinGen allele CA3732374.